The following is an entry in ClinVar:

ClinVar aggregate classification (germline): Benign. Review status: criteria provided, multiple submitters, no conflicts (2 of 4 stars). 3 submissions from 3 submitters: Benign (3). Last evaluated 2023-11-12.

Allele frequency attached by ClinVar (database versions not stated): 1000 Genomes Project 30x 0.18114; TOPMed 0.19897; ExAC 0.24482; gnomAD exomes 0.26188 and 0.25318; ESP Exome Variant Server 0.19399; 1000 Genomes Project 0.18570; gnomAD 0.20543 and 0.20872.
gnomAD v4.1: 412,472 of 1,608,216 alleles (26%); highest among the groups gnomAD compares: Admixed American, 31%; 56,563 homozygotes.

Submissions (3):

Unidad de Genómica Garrahan, Hospital de Pediatría Garrahan
Classification: Benign. Last evaluated: 2023-11-12. Review status: criteria provided, single submitter. Criteria: ACMG Guidelines, 2015. Collection method: clinical testing. Allele origin: germline. Affected: no. Observed: 47 variant alleles.
Comment: This variant is classified as Benign based on local population frequency. This variant was detected in 49% of patients studied by a panel of primary immunodeficiencies. Number of patients: 47. Only high quality variants are reported.

GeneDx
Classification: Benign. Last evaluated: 2021-05-12. Review status: criteria provided, single submitter. Criteria: GeneDx Variant Classification Process June 2021. Collection method: clinical testing. Allele origin: germline. Affected: yes.

Breakthrough Genomics
Classification: Benign. Review status: criteria provided, single submitter. Criteria: ACMG Guidelines, 2015. Collection method: not provided. Allele origin: germline. Inheritance: Autosomal recessive inheritance. Affected: yes.

NM_173841.3(IL1RN):c.10+26T>C

Gene: IL1RN (interleukin 1 receptor antagonist; plus strand). Cytogenetic location: 2q14.1.
Variant type: single nucleotide variant.
Coding change: c.10+26T>C on transcript NM_173841.3; 26 bases into the intron after coding-DNA position 10, T replaced by C.
Molecular consequence: intron variant.
Genome position (GRCh38, 1-based): chr2:113,118,054, T>C. VCF-style: chr2-113118054-T-C. GRCh37 (hg19) VCF-style: chr2-113875631-T-C.
Other names: c.-273+26T>C (NM_001318914.2); c.-210+26T>C (NM_173843.3); c.10+26T>C (NM_000577.5).
Identifiers: ClinVar variation 1244315 (VCV001244315.7), dbSNP rs16065, ClinGen allele CA1838704.